The following is an entry in ClinVar:

NM_000540.3(RYR1):c.12406C>A (p.Arg4136Ser)

Gene: RYR1 (ryanodine receptor 1; plus strand). Cytogenetic location: 19q13.2.
Variant type: single nucleotide variant.
Coding change: c.12406C>A on transcript NM_000540.3 (MANE Select); coding-DNA position 12406, C replaced by A.
Protein change: p.Arg4136Ser; replaces arginine 4136 with serine.
Molecular consequence: missense variant.
Genome position (GRCh38, 1-based): chr19:38,561,236, C>A. VCF-style: chr19-38561236-C-A. GRCh37 (hg19) VCF-style: chr19-39051876-C-A.
Other names: c.12406C>A (NM_000540.2); c.12391C>A, p.Arg4131Ser (NM_001042723.2); short protein forms R4136S, R4131S.
Identifiers: ClinVar variation 133037 (VCV000133037.13), dbSNP rs193922849, ClinGen allele CA023982.

ClinVar aggregate classification (germline): Likely benign. Review status: reviewed by expert panel (3 of 4 stars). 6 submissions from 6 submitters: Likely benign (1). 5 of the submissions do not count toward it. Last evaluated 2021-03-16.

Conditions:
Malignant hyperthermia, susceptibility to, 1 (MHS1). Also called: Anesthesia related hyperthermia; Malignant hyperpyrexia; Fulminating hyperpyrexia; Pharmacogenic myopathy; RYR1-Related Malignant Hyperthermia Susceptibility; Malignant hyperthermia suceptibility 1. Identifiers: Orphanet 423, MedGen C2930980, MONDO:0007783, OMIM 145600.
Congenital myopathy with fiber type disproportion. Also called: Congenital fiber-type disproportion myopathy; Congenital fiber-type disproportion. Identifiers: Orphanet 2020, MedGen C0546264, MONDO:0009711. Inheritance: all.
King Denborough syndrome (KDS). Identifiers: MedGen C1840365, MONDO:0020485, OMIM 619542.
Central core myopathy (CMYO1A). Also called: CONGENITAL MYOPATHY 1A, AUTOSOMAL DOMINANT, WITH SUSCEPTIBILITY TO MALIGNANT HYPERTHERMIA; Central core disease; Myopathy, central fibrillar. Identifiers: Orphanet 597, MedGen C5830701, MONDO:0007294, OMIM 117000.
Congenital multicore myopathy with external ophthalmoplegia (CMYO1B). Also called: MULTICORE MYOPATHY; Minicore myopathy with external ophthalmoplegia; MULTIMINICORE DISEASE WITH EXTERNAL OPHTHALMOPLEGIA; Congenital myopathy 1B, autosomal recessive; Minicore myopathy. Identifiers: Orphanet 598, Orphanet 98905, MedGen C1850674, MONDO:0009712, OMIM 255320, HP:0003789.
RYR1-related disorder. Also called: RYR1-related disorders; RYR1-related condition. Identifiers: MedGen CN239331.
Malignant hyperthermia of anesthesia. Also called: Anesthesic-triggered malignant hyperthermia. Identifiers: Orphanet 423, MedGen C0024591, MONDO:0018493, HP:0034733.

Allele frequency attached by ClinVar (database versions not stated): gnomAD 0.00001; TOPMed 0.00001; ExAC 0.00002; gnomAD exomes 0.00002.
gnomAD v4.1: 17 of 1,613,992 alleles (0.0011%); highest among the groups gnomAD compares: Admixed American, 0.0017%; no homozygotes.

Submissions (6):

ClinGen Malignant Hyperthermia Susceptibility Variant Curation Expert Panel, ClinGen
Classification: Likely benign for Malignant hyperthermia of anesthesia. Last evaluated: 2021-03-16. Review status: reviewed by expert panel. Criteria: ClinGen MHS ACMG Specifications V1. Collection method: curation. Allele origin: germline. Inheritance: Autosomal dominant inheritance.
Comment: This pathogenicity assessment is relevant only for malignant hyperthermia susceptibility (MHS) inherited in an autosomal dominant pattern. Variants in RYR1 can also cause other myopathies inherited in an autosomal dominant pattern or in an autosomal recessive pattern. Some of these disorders may predispose individuals to malignant hyperthermia. RYR1 variants may also contribute to a malignant hyperthermia reaction in combination with other genetic and non-genetic factors and the clinician needs to consider such factors in making management decisions. This sequence variant predicts a substitution of arginine with serine at codon 4136 of the RYR1 protein, p.(Arg4136Ser). The maximum allele frequency for this variant among the six major gnomAD populations is NFE: 0.0000349, a frequency consistent with pathogenicity for MHS. This variant has been reported in an individual with myopathy that was MHS, this variant was also present in the father who was MHN by IVCT, PS4 not met, BS2_Moderate (PMID: 12208234). No functional studies were identified for this variant. This variant does not reside in a hotspot for pathogenic variants that contribute to MHS. A REVEL score of 0.783 supports neither a pathogenic nor a benign status for this variant. Based on using Bayes to combine criteria this variant is assessed as Likely Benign, (PMID: 29300386). Criteria implemented: BS2_Moderate.

PreventionGenetics, part of Exact Sciences
Classification: Uncertain significance for RYR1-related condition. Last evaluated: 2026-02-20. Review status: criteria provided, single submitter. Criteria: ACMG Guidelines, 2015. Collection method: clinical testing. Allele origin: germline. Not counted in ClinVar's aggregate classification.
Comment: The RYR1 c.12406C>A variant is predicted to result in the amino acid substitution p.Arg4136Ser. This variant has been reported in an individual with malignant hyperthermia susceptibility (MHS) who inherited the variant from a father with a normal in vitro contracture test (Galli et al. 2002. PubMed ID: 12208234). At PreventionGenetics, we have also reported the p.Arg4136Ser variant in a pair of siblings who underwent MH panel testing due to positive family history (Internal Data). This variant is reported in 0.0035% of alleles in individuals of European (non-Finnish) descent in gnomAD. At this time, the clinical significance of this variant is uncertain due to the absence of conclusive functional and genetic evidence.

Labcorp Genetics (formerly Invitae), Labcorp
Classification: Likely pathogenic for RYR1-related disorder. Last evaluated: 2024-06-04. Review status: criteria provided, single submitter. Criteria: Invitae Variant Classification Sherloc (09022015). Collection method: clinical testing. Allele origin: germline. Not counted in ClinVar's aggregate classification.
Comment: This sequence change replaces arginine, which is basic and polar, with serine, which is neutral and polar, at codon 4136 of the RYR1 protein (p.Arg4136Ser). This variant is present in population databases (rs193922849, gnomAD 0.004%). This missense change has been observed in individual(s) with autosomal dominant malignant hyperthermia susceptibility (PMID: 12208234). ClinVar contains an entry for this variant (Variation ID: 133037). Advanced modeling of protein sequence and biophysical properties (such as structural, functional, and spatial information, amino acid conservation, physicochemical variation, residue mobility, and thermodynamic stability) has been performed at Invitae for this missense variant, however the output from this modeling did not meet the statistical confidence thresholds required to predict the impact of this variant on RYR1 protein function. In summary, the currently available evidence indicates that the variant is pathogenic, but additional data are needed to prove that conclusively. Therefore, this variant has been classified as Likely Pathogenic.

GeneDx
Classification: Uncertain significance. Last evaluated: 2024-03-01. Review status: criteria provided, single submitter. Criteria: GeneDx Variant Classification Process June 2021. Collection method: clinical testing. Allele origin: germline. Affected: yes. Not counted in ClinVar's aggregate classification.
Comment: Not observed at significant frequency in large population cohorts (gnomAD); In silico analysis supports that this missense variant does not alter protein structure/function; This variant is associated with the following publications: (PMID: 12208234, 16835904, 34535181)

Fulgent Genetics
Classification: Likely benign for Central core myopathy; Malignant hyperthermia, susceptibility to, 1; Congenital myopathy 4A, autosomal dominant; Congenital multicore myopathy with external ophthalmoplegia; King Denborough syndrome. Last evaluated: 2021-09-16. Review status: criteria provided, single submitter. Criteria: ACMG Guidelines, 2015. Collection method: clinical testing. Allele origin: unknown. Not counted in ClinVar's aggregate classification.

RYR1 database
No classification provided. Review status: no classification provided. Collection method: not provided. Allele origin: unknown. Not counted in ClinVar's aggregate classification.

Literature cited by the submitters: PubMed 12208234 (cited by Labcorp Genetics (formerly Invitae), Labcorp).